The following is an entry in ClinVar:

NM_000116.5(TAFAZZIN):c.718G>C (p.Gly240Arg)

Gene: TAFAZZIN (tafazzin, phospholipid-lysophospholipid transacylase; plus strand). Cytogenetic location: Xq28.
Variant type: single nucleotide variant.
Coding change: c.718G>C on transcript NM_000116.5 (MANE Select); coding-DNA position 718, G replaced by C.
Protein change: p.Gly240Arg; replaces glycine 240 with arginine.
Molecular consequence: missense variant. On other transcripts: non-coding transcript variant (1).
Genome position (GRCh38, 1-based): chrX:154,420,676, G>C. VCF-style: chrX-154420676-G-C. GRCh37 (hg19) VCF-style: chrX-153649015-G-C.
Other names: c.730G>C, p.Gly244Arg (NM_001303465.2); c.628G>C, p.Gly210Arg (NM_181311.4); c.676G>C, p.Gly226Arg (NM_181312.4); c.586G>C, p.Gly196Arg (NM_181313.4); short protein forms G240R, G210R, G244R, G196R, G226R.
Identifiers: ClinVar variation 42266 (VCV000042266.5), dbSNP rs387907218, ClinGen allele CA261289.
Genomic context (GRCh38, chrX:154,420,676, plus strand): 5'-CACTCCTACTGCTCCTCATCACTCTTGGCGGCCACCCCACAGAAAATCACTGTGCTGATC[G>C]GGAAGCCCTTCAGTGCCCTGCCTGTACTCGAGCGGCTCCGGGCGGAGAACAAGTCGGCTG-3'
Protein context (NP_000107.1, residues 230-250): RFGQKITVLI[Gly240Arg]KPFSALPVLE

ClinVar aggregate classification (germline): Pathogenic (1 of 4 stars; one submission).

Conditions:
Primary dilated cardiomyopathy (DCM). Also called: Dilated Cardiomyopathy. Identifiers: Orphanet 217604, MedGen C0007193, MeSH D002311, MONDO:0005021, HP:0001644. Inheritance: Various modes of inheritance.

Submission:

Laboratory for Molecular Medicine, Mass General Brigham Personalized Medicine
Classification: Pathogenic for Primary dilated cardiomyopathy. Last evaluated: 2012-03-08. Review status: criteria provided, single submitter. Criteria: LMM Criteria. Collection method: clinical testing. Allele origin: germline. Observed: 3 variant alleles.
Comment: The Gly240Arg variant (TAZ) has been reported in 5 individuals with X-linked inf antile DCM (D'Adamo 1997, Bissler 2002, Chen 2002). In one of these families (D? Adamo 1997) the variant was present in 4 affected males and was absent form 100 control chromosomes. The variant was also described in a family with endocardial fibroelastosis that was consistent with X-linked inheritance (Lindenbaum 1973, D?Adamo 1997). Furthermore, this variant was identified in two male infants with DCM as well as their unaffected mother by our laboratory. Variants in the TAZ gene cause Barth syndrome and cardiomyopathy can be the first presenting clinica l feature. In summary, this variant meets our pathogenicity criteria based on segregation with disease.

Literature cited by the submitters: PubMed 9382096; PubMed 11896212; PubMed 12468278; PubMed 4685904.